The following is an entry in ClinVar:

NM_000036.3(AMPD1):c.1957C>T (p.Gln653Ter)

Gene: AMPD1 (adenosine monophosphate deaminase 1; minus strand). Cytogenetic location: 1p13.2.
Variant type: single nucleotide variant.
Coding change: c.1957C>T on transcript NM_000036.3 (MANE Select); coding-DNA position 1957, C replaced by T.
Protein change: p.Gln653Ter; replaces glutamine 653 with a stop codon.
Molecular consequence: nonsense.
Genome position (GRCh38, 1-based): chr1:114,673,926, G>A on the plus strand (C>T on the coding strand, the complement: AMPD1 is on the minus strand). VCF-style: chr1-114673926-G-A. GRCh37 (hg19) VCF-style: chr1-115216547-G-A.
Other names: c.1945C>T, p.Gln649Ter (NM_001172626.2); short protein forms Q649*, Q653*.
Identifiers: ClinVar variation 4845819 (VCV004845819.2).

ClinVar aggregate classification (germline): Pathogenic/Likely pathogenic. Review status: criteria provided, multiple submitters, no conflicts (2 of 4 stars). 2 submissions from 2 submitters: Pathogenic (1); Likely pathogenic (1). Last evaluated 2025-11-05.

Conditions:
Muscle AMP deaminase deficiency (MMDD). Also called: Myoadenylate deaminase deficiency, myopathy due to; Adenosine monophosphate deaminase 1 deficiency; AMP deaminase 1 deficiency; Adenosine Monophosphate Deaminase 1; AMPD1 DEFICIENCY; ADENOSINE MONOPHOSPHATE DEAMINASE-1 DEFICIENCY, MYOPATHY DUE TO. Identifiers: Orphanet 45, MedGen C3714933, MONDO:0014220, OMIM 615511.

gnomAD v4.1: 80 of 1,613,958 alleles (0.005%); highest among the groups gnomAD compares: South Asian, 0.085%; 1 homozygote.

Submissions (2):

Variantyx, Inc.
Classification: Pathogenic for Muscle AMP deaminase deficiency. Last evaluated: 2025-11-05. Review status: criteria provided, single submitter. Criteria: Variantyx Assertion Criteria 2022. Collection method: clinical testing. Allele origin: germline. Inheritance: Autosomal recessive inheritance.
Comment: This is a nonsense variant in the AMPD1 gene (OMIM: 102770). Pathogenic variants in this gene have been associated with autosomal recessive myopathy due to myoadenylate deaminase deficiency. This variant introduces a premature termination codon in exon 14 out of 16 and is expected to result in loss of function, which is a known disease mechanism for AMPD1 in this disorder (PVS1) (PMID:1631143). This variant has a 0.0845% maximum allele frequency in non-founder control populations (PM2). Based on the current evidence, this variant is classified as pathogenic for autosomal recessive myopathy due to myoadenylate deaminase deficiency.

First Genomix Gene Laboratory, Genetic Diagnostics Department
Classification: Likely pathogenic for Muscle AMP deaminase deficiency. Last evaluated: 2025-03-26. Review status: criteria provided, single submitter. Criteria: ACMG Guidelines, 2015. Collection method: clinical testing. Allele origin: germline. Inheritance: Autosomal recessive inheritance. Affected: no. Observed: 1 variant allele.

Literature cited by the submitters: PubMed 1631143 (cited by Variantyx, Inc.).